The following is an entry in ClinVar:

ClinVar aggregate classification (germline): Pathogenic (1 of 4 stars; one submission).

Allele frequency attached by ClinVar (database versions not stated): TOPMed below 0.00001; ExAC 0.00001; gnomAD exomes 0.00002.
gnomAD v4.1: 22 of 1,613,618 alleles (0.0014%); highest among the groups gnomAD compares: Non-Finnish European, 0.0017%; no homozygotes.

Submission:

Labcorp Genetics (formerly Invitae), Labcorp
Classification: Pathogenic. Last evaluated: 2022-08-26. Review status: criteria provided, single submitter. Criteria: Invitae Variant Classification Sherloc (09022015). Collection method: clinical testing. Allele origin: germline.
Comment: This sequence change creates a premature translational stop signal (p.Arg293*) in the C7 gene. It is expected to result in an absent or disrupted protein product. Loss-of-function variants in C7 are known to be pathogenic (PMID: 9856499, 17407100). This variant is present in population databases (rs758458216, gnomAD 0.0009%). This variant has not been reported in the literature in individuals affected with C7-related conditions. For these reasons, this variant has been classified as Pathogenic.

Literature cited by the submitters: PubMed 9856499; PubMed 17407100.

NM_000587.4(C7):c.877C>T (p.Arg293Ter)

Gene: C7 (complement C7; plus strand). Cytogenetic location: 5p13.1.
Variant type: single nucleotide variant.
Coding change: c.877C>T on transcript NM_000587.4 (MANE Select); coding-DNA position 877, C replaced by T.
Protein change: p.Arg293Ter; replaces arginine 293 with a stop codon.
Molecular consequence: nonsense.
Genome position (GRCh38, 1-based): chr5:40,947,740, C>T. VCF-style: chr5-40947740-C-T. GRCh37 (hg19) VCF-style: chr5-40947842-C-T.
Other names: short protein forms R293*.
Identifiers: ClinVar variation 1953572 (VCV001953572.5), dbSNP rs758458216, ClinGen allele CA3249781.